The following is an entry in ClinVar:

NM_001267550.2(TTN):c.16010A>G (p.Asn5337Ser)

Gene: TTN (titin; minus strand). Cytogenetic location: 2q31.2.
Variant type: single nucleotide variant.
Coding change: c.16010A>G on transcript NM_001267550.2 (MANE Select); coding-DNA position 16010, A replaced by G.
Protein change: p.Asn5337Ser; replaces asparagine 5337 with serine.
Molecular consequence: missense variant. On other transcripts: intron variant (3).
Genome position (GRCh38, 1-based): chr2:178,733,283, T>C on the plus strand (A>G on the coding strand, the complement: TTN is on the minus strand). VCF-style: chr2-178733283-T-C. GRCh37 (hg19) VCF-style: chr2-179598010-T-C.
Other names: p.N5020S:AAT>AGT; c.15059A>G, p.Asn5020Ser (NM_001256850.1); c.12278A>G, p.Asn4093Ser (NM_133378.4); c.13282+4799A>G (NM_003319.4); c.13858+4799A>G (NM_133437.4); c.13657+4799A>G (NM_133432.3); short protein forms N5020S, N5337S, N4093S.
Identifiers: ClinVar variation 203250 (VCV000203250.38), dbSNP rs752924679, ClinGen allele CA311812.
Genomic context (GRCh38, chr2:178,733,283, plus strand): 5'-TTCTAAAAATACTAACCTAATACAGTGAATGTAGTCTCACAGGAGCTGCTGCCCACTTCA[T>C]TGGAAATCTCAAATGTGTATTGGCCACTGTCGTGCAGCTCAGCTGAATAAAATTTGAGCT-3'
Protein context (NP_001254479.2, residues 5327-5347): DSGQYTFEIS[Asn5337Ser]EVGSSSCETT

ClinVar aggregate classification (germline): Conflicting classifications of pathogenicity. Review status: criteria provided, conflicting classifications (1 of 4 stars). 8 submissions from 8 submitters: Uncertain significance (5); Likely benign (3). Last evaluated 2026-09-21.

Conditions:
TTN-related disorder. Also called: TTN-related condition; TTN-related disease; TTN-related disorders.
Autosomal recessive limb-girdle muscular dystrophy type 2J (LGMDR10). Also called: Limb-girdle muscular dystrophy, type 2J; MUSCULAR DYSTROPHY, LIMB-GIRDLE, AUTOSOMAL RECESSIVE 10. Identifiers: Orphanet 140922, MedGen C1837342, MONDO:0012127, OMIM 608807.
Dilated cardiomyopathy 1G (CMD1G). Identifiers: Orphanet 154, MedGen C1858763, MONDO:0011400, OMIM 604145.
Cardiomyopathy (CMYO). Also called: Cardiomyopathies. Identifiers: Orphanet 167848, MedGen C0878544, MONDO:0004994, HP:0001638. Inheritance: Various modes of inheritance.

Allele frequency attached by ClinVar (database versions not stated): ExAC 0.00004; gnomAD 0.00004; gnomAD exomes 0.00006 and 0.00007; TOPMed 0.00007.
gnomAD v4.1: 117 of 1,611,992 alleles (0.0073%); highest among the groups gnomAD compares: African/African-American, 0.011%; no homozygotes.

Submissions (8):

PreventionGenetics, part of Exact Sciences
Classification: Uncertain significance for TTN-related condition. Last evaluated: 2026-09-21. Review status: criteria provided, single submitter. Criteria: ACMG Guidelines, 2015. Collection method: clinical testing. Allele origin: germline.
Comment: The TTN c.16010A>G variant is predicted to result in the amino acid substitution p.Asn5337Ser. This variant has been reported in a cohort of individuals with catecholaminergic polymorphic ventricular tachycardia (described as p.Asn4093Ser/rs752924679, Martínez-Barrio et al. 2022. PubMed ID: 35207729). This variant is reported in 0.016% of alleles in individuals of South Asian descent in gnomAD. At this time, the clinical significance of this variant is uncertain due to the absence of conclusive functional and genetic evidence.

ARUP Laboratories, Molecular Genetics and Genomics, ARUP Laboratories
Classification: Uncertain significance. Last evaluated: 2025-04-08. Review status: criteria provided, single submitter. Criteria: ARUP Molecular Germline Variant Investigation Process 2024. Collection method: clinical testing. Allele origin: germline.
Comment: The TTN c.16010A>G; p.Asn5337Ser variant (rs752924679, ClinVar Variation ID: 203250) is rare in the general population (<0.2% allele frequency in the Genome Aggregation Database) and has not been reported in the medical literature in association with dilated cardiomyopathy (DCM) or other TTN-related disease. The clinical relevance of rare missense variants in this gene, which are identified on average once per individual sequenced in affected populations (Herman 2012), is not well understood. Yet, evidence suggests that the vast majority of such missense variants do not contribute to the clinical outcome of DCM (Begay 2015). Thus, the clinical significance of the p.Asn5337Ser variant cannot be determined with certainty. References: Begay RL et al. Role of Titin Missense Variants in Dilated Cardiomyopathy. J Am Heart Assoc. 2015 Nov 13;4(11). PMID: 26567375. Herman DS et al. Truncations of titin causing dilated cardiomyopathy. N Engl J Med. 2012 Feb 16;366(7):619-28. PMID: 22335739. Linke WA and Hamdani N. Gigantic business: titin properties and function through thick and thin. Circ Res 2014; 114(6): 1052-1068. PMID: 24625729.

CeGaT Center for Human Genetics Tuebingen
Classification: Likely benign. Last evaluated: 2023-09-01. Review status: criteria provided, single submitter. Criteria: CeGaT Center For Human Genetics Tuebingen Variant Classification Criteria Version 2. Collection method: clinical testing. Allele origin: germline. Affected: yes. Observed: 1 variant allele.
Comment: TTN: BP4

Blueprint Genetics
Classification: Likely benign. Last evaluated: 2021-11-23. Review status: criteria provided, single submitter. Criteria: ACMG Guidelines, 2015. Collection method: clinical testing. Allele origin: germline.

CHEO Genetics Diagnostic Laboratory, Children's Hospital of Eastern Ontario
Classification: Uncertain significance for Cardiomyopathy. Last evaluated: 2021-11-16. Review status: criteria provided, single submitter. Criteria: ACMG Guidelines, 2015. Collection method: clinical testing. Allele origin: germline.

GeneDx
Classification: Likely benign. Last evaluated: 2021-05-18. Review status: criteria provided, single submitter. Criteria: GeneDx Variant Classification Process June 2021. Collection method: clinical testing. Allele origin: germline. Affected: yes.

Revvity Omics, Revvity
Classification: Uncertain significance. Last evaluated: 2020-05-27. Review status: criteria provided, single submitter. Criteria: ACMG Guidelines, 2015. Collection method: clinical testing. Allele origin: germline.

Labcorp Genetics (formerly Invitae), Labcorp
Classification: Uncertain significance for Dilated cardiomyopathy 1G; Autosomal recessive limb-girdle muscular dystrophy type 2J. Last evaluated: 2017-05-16. Review status: criteria provided, single submitter. Criteria: Invitae Variant Classification Sherloc (09022015). Collection method: clinical testing. Allele origin: germline.